The following is an entry in ClinVar:

ClinVar aggregate classification (germline): Pathogenic (1 of 4 stars; one submission).

Conditions:
Bethlem myopathy 1A. Also called: Bethlem myopathy 1; MYOPATHY, BENIGN CONGENITAL, WITH CONTRACTURES; Bethlem Muscular Dystrophy. Identifiers: Orphanet 610, MedGen CN029274, MONDO:0024530, OMIM 158810.

Submission:

Labcorp Genetics (formerly Invitae), Labcorp
Classification: Pathogenic for Bethlem myopathy 1A. Last evaluated: 2023-03-08. Review status: criteria provided, single submitter. Criteria: Invitae Variant Classification Sherloc (09022015). Collection method: clinical testing. Allele origin: germline.
Comment: This sequence change creates a premature translational stop signal (p.Phe264Leufs*2) in the COL6A3 gene. It is expected to result in an absent or disrupted protein product. Loss-of-function variants in COL6A3 are known to be pathogenic (PMID: 26004199). This variant is not present in population databases (gnomAD no frequency). This variant has not been reported in the literature in individuals affected with COL6A3-related conditions. For these reasons, this variant has been classified as Pathogenic.

Literature cited by the submitters: PubMed 26004199.

NM_004369.4(COL6A3):c.792_795del (p.Phe264fs)

Gene: COL6A3 (collagen type VI alpha 3 chain; minus strand). Cytogenetic location: 2q37.3.
Variant type: Deletion.
Coding change: c.792_795del on transcript NM_004369.4 (MANE Select); coding-DNA positions 792 to 795, 4 bases deleted (CCTT; older notation c.792_795delCCTT).
Protein change: p.Phe264fs; shifts the reading frame from phenylalanine 264.
Molecular consequence: frameshift variant. On other transcripts: intron variant (2).
Genome position (GRCh38, 1-based): chr2:237,388,099-237,388,102, AAGG deleted on the plus strand (CCTT on the coding strand, the reverse complement: COL6A3 is on the minus strand); deleting any 4 consecutive bases within chr2:237,388,099-237,388,105 gives the same sequence; the c. name uses the placement nearest the transcript's 3' end. VCF-style (leftmost placement, unchanged base first): chr2-237388098-CAAGG-C. GRCh37 (hg19) VCF-style: chr2-238296741-CAAGG-C.
Other names: c.174_177del, p.Phe58fs (NM_057165.5, NM_057167.4); c.92-6603_92-6600del (NM_057166.5, NM_057164.5); short protein forms F264fs, F58fs.
Identifiers: ClinVar variation 2843724 (VCV002843724.3), dbSNP rs2469949831, ClinGen allele CA2739279617.